The following is an entry in ClinVar:

ClinVar aggregate classification (germline): Conflicting classifications of pathogenicity. Review status: criteria provided, conflicting classifications (1 of 4 stars). 5 submissions from 5 submitters: Uncertain significance (3); Likely benign (1). 1 of the submissions does not count toward it. Last evaluated 2024-12-25.

Conditions:
Nonimmune chronic idiopathic neutropenia of adults. Identifiers: Orphanet 2688, MedGen C1842930, MONDO:0011922, OMIM 607847.
Neutropenia, severe congenital, 2, autosomal dominant. Identifiers: Orphanet 486, MedGen C2751288, MONDO:0013139, OMIM 613107.

Allele frequency attached by ClinVar (database versions not stated): TOPMed 0.00002; gnomAD 0.00003; gnomAD exomes 0.00003; 1000 Genomes Project 30x 0.00016; 1000 Genomes Project 0.00020.
gnomAD v4.1: 47 of 1,541,908 alleles (0.003%); highest among the groups gnomAD compares: Middle Eastern, 0.021%; no homozygotes.

Submissions (5):

Ambry Genetics
Classification: Uncertain significance. Last evaluated: 2024-12-25. Review status: criteria provided, single submitter. Criteria: Ambry Variant Classification Scheme 2023. Collection method: clinical testing. Allele origin: germline.

GeneDx
Classification: Uncertain significance. Last evaluated: 2024-09-12. Review status: criteria provided, single submitter. Criteria: GeneDx Variant Classification Process June 2021. Collection method: clinical testing. Allele origin: germline. Affected: yes.
Comment: In silico analysis indicates that this missense variant does not alter protein structure/function; Has not been previously published as pathogenic or benign to our knowledge

Labcorp Genetics (formerly Invitae), Labcorp
Classification: Uncertain significance for Neutropenia, severe congenital, 2, autosomal dominant. Last evaluated: 2024-01-19. Review status: criteria provided, single submitter. Criteria: Invitae Variant Classification Sherloc (09022015). Collection method: clinical testing. Allele origin: germline.
Comment: This sequence change replaces alanine, which is neutral and non-polar, with serine, which is neutral and polar, at codon 187 of the GFI1 protein (p.Ala187Ser). This variant is present in population databases (rs540625712, gnomAD 0.009%). This variant has not been reported in the literature in individuals affected with GFI1-related conditions. ClinVar contains an entry for this variant (Variation ID: 1983434). Advanced modeling of protein sequence and biophysical properties (such as structural, functional, and spatial information, amino acid conservation, physicochemical variation, residue mobility, and thermodynamic stability) performed at Invitae indicates that this missense variant is not expected to disrupt GFI1 protein function with a negative predictive value of 80%. In summary, the available evidence is currently insufficient to determine the role of this variant in disease. Therefore, it has been classified as a Variant of Uncertain Significance.

Department of Pathology and Laboratory Medicine, Sinai Health System
Classification: Likely benign for Nonimmune chronic idiopathic neutropenia of adults; Neutropenia, severe congenital, 2, autosomal dominant. Last evaluated: 2020-07-31. Review status: criteria provided, single submitter. Criteria: ACMG Guidelines, 2015. Collection method: research. Allele origin: germline.

Genetic Services Laboratory, University of Chicago
Classification: Uncertain significance. Last evaluated: 2022-08-27. Review status: no assertion criteria provided. Collection method: clinical testing. Allele origin: germline. Affected: no. Not counted in ClinVar's aggregate classification.
Comment: DNA sequence analysis of the GFI1 gene demonstrated a sequence change, c.559G>T, in exon 4 that results in an amino acid change, p.Ala187Ser. This sequence change does not appear to have been previously described in individuals with GFI1-related disorders. This sequence change has been described in the gnomAD database in 6 individuals in the European subpopulation which corresponds to a population frequency 0.009% (dbSNP rs540625712). The p.Ala187Ser change affects a poorly conserved amino acid residue located in a domain of the GFI1 protein that is not known to be functional. The p.Ala187Ser substitution appears to be benign using several in-silico pathogenicity prediction tools (SIFT, PolyPhen2, Align GVGD, REVEL). Due to insufficient evidence and the lack of functional studies, the clinical significance of the p.Ala187Ser change remains unknown at this time. Heterozygous pathogenic variants in the GFI1 gene have been identified in individuals with autosomal dominant sever congenital neutropenia-2 [OMIM# 613107] and nonimmune chromic idiopathic neutropenia of adults [OMIM# 607847].

NM_005263.5(GFI1):c.559G>T (p.Ala187Ser)

Gene: GFI1 (growth factor independent 1 transcriptional repressor; minus strand). Cytogenetic location: 1p22.1.
Variant type: single nucleotide variant.
Coding change: c.559G>T on transcript NM_005263.5 (MANE Select); coding-DNA position 559, G replaced by T.
Protein change: p.Ala187Ser; replaces alanine 187 with serine.
Molecular consequence: missense variant.
Genome position (GRCh38, 1-based): chr1:92,480,828, C>A on the plus strand (G>T on the coding strand, the complement: GFI1 is on the minus strand). VCF-style: chr1-92480828-C-A. GRCh37 (hg19) VCF-style: chr1-92946385-C-A.
Other names: c.559G>T (NM_005263.4); c.559G>T, p.Ala187Ser (NM_001127215.3, NM_001127216.3); short protein forms A187S.
Identifiers: ClinVar variation 1983434 (VCV001983434.8), dbSNP rs540625712, ClinGen allele CA951363.
Genomic context (GRCh38, chr1:92,480,828, plus strand): 5'-CCGCAGACCCGAAGTCGCCGTAGAGCCCTAGGCCAGGGCCAGCGGTGGCACCGGCCCCTG[C>A]GCTGCAGCTCCCTGGCGCCCCGGCCCCCGCGCCGCCGGCAGCCCGCTTCGGGCCGTACAG-3'
Protein context (NP_005254.2, residues 177-197): AGAGAPGSCS[Ala187Ser]GAGATAGPGL